The following is an entry in ClinVar:

NM_025137.4(SPG11):c.1457-2A>G

Gene: SPG11 (SPG11 vesicle trafficking associated, spatacsin; minus strand). Cytogenetic location: 15q21.1.
Variant type: single nucleotide variant.
Coding change: c.1457-2A>G on transcript NM_025137.4 (MANE Select); the canonical splice acceptor site of the intron before coding-DNA position 1457, A replaced by G.
Molecular consequence: splice acceptor variant.
Genome position (GRCh38, 1-based): chr15:44,649,013, T>C on the plus strand (A>G on the coding strand, the complement: SPG11 is on the minus strand). VCF-style: chr15-44649013-T-C. GRCh37 (hg19) VCF-style: chr15-44941211-T-C.
Other names: c.1457-2A>G (NM_001411132.1, NM_001160227.2).
Identifiers: ClinVar variation 41272 (VCV000041272.16), dbSNP rs312262726, ClinGen allele CA344297.
Genomic context (GRCh38, chr15:44,649,013, plus strand): 5'-GAGTCTGTTTAAAAACTCTTCTTGAGTCAAACCAAACAAAATCAGAGAGAGTCCATTCTC[T>C]ATAGGAAAAATAAAAGTTAGCTTTAACAAATTAGATTAGATTTTAGGATTATGATTTAGG-3'

ClinVar aggregate classification (germline): Pathogenic/Likely pathogenic. Review status: criteria provided, multiple submitters, no conflicts (2 of 4 stars). 5 submissions from 5 submitters: Pathogenic (3); Likely pathogenic (1). 1 of the submissions does not count toward it. Last evaluated 2024-03-23.

Conditions:
Amyotrophic lateral sclerosis type 5 (ALS5). Also called: AMYOTROPHIC LATERAL SCLEROSIS 5, JUVENILE. Identifiers: Orphanet 300605, MedGen C1865864, MONDO:0011196, OMIM 602099.
Charcot-Marie-Tooth disease axonal type 2X. Also called: CHARCOT-MARIE-TOOTH DISEASE, AXONAL, AUTOSOMAL RECESSIVE, TYPE 2X; CHARCOT-MARIE-TOOTH NEUROPATHY, TYPE 2X. Identifiers: Orphanet 466775, MedGen C5569024, MONDO:0014726, OMIM 616668.
Hereditary spastic paraplegia 11. Also called: SPASTIC PARAPLEGIA, AUTOSOMAL RECESSIVE, COMPLICATED, WITH THIN CORPUS CALLOSUM; SPASTIC PARAPLEGIA, AUTOSOMAL RECESSIVE, WITH MENTAL IMPAIRMENT AND THIN CORPUS CALLOSUM; Spastic paraplegia, mental retardation and thin corpus callosum; Spastic Paraplegia 11; Nakamura Osame syndrome; Autosomal recessive hereditary spastic paraplegia, mental impairment, and thin corpus callosum. Identifiers: Orphanet 2822, MedGen C1858479, MONDO:0011445, OMIM 604360.
Hereditary spastic paraplegia. Also called: Familial spastic paraparesis. Identifiers: Orphanet 685, MedGen C0037773, MONDO:0019064. Disease mechanism: loss of function.

Allele frequency attached by ClinVar (database versions not stated): gnomAD exomes below 0.00001; gnomAD 0.00001; TOPMed 0.00001.
gnomAD v4.1: 3 of 1,611,742 alleles (0.00019%); highest among the groups gnomAD compares: African/African-American, 0.0013%; no homozygotes.

Submissions (6):

Fulgent Genetics
Classification: Likely pathogenic for Amyotrophic lateral sclerosis type 5; Hereditary spastic paraplegia 11; Charcot-Marie-Tooth disease axonal type 2X. Last evaluated: 2024-03-23. Review status: criteria provided, single submitter. Criteria: ACMG Guidelines, 2015. Collection method: clinical testing. Allele origin: germline.

Labcorp Genetics (formerly Invitae), Labcorp
Classification: Pathogenic for Hereditary spastic paraplegia 11. Last evaluated: 2023-08-04. Review status: criteria provided, single submitter. Criteria: Invitae Variant Classification Sherloc (09022015). Collection method: clinical testing. Allele origin: germline.
Comment: This variant is not present in population databases (gnomAD no frequency). This sequence change affects an acceptor splice site in intron 6 of the SPG11 gene. RNA analysis indicates that disruption of this splice site induces altered splicing and may result in an absent or disrupted protein product. For these reasons, this variant has been classified as Pathogenic. Studies have shown that disruption of this splice site results in skipping of exon 7 and introduces a premature termination codon (PMID: 18067136). The resulting mRNA is expected to undergo nonsense-mediated decay. ClinVar contains an entry for this variant (Variation ID: 41272). This variant is also known as c.1757-2A>G. Disruption of this splice site has been observed in individuals with hereditary spastic paraplegia (PMID: 18067136, 30778698).

Genome Diagnostics Laboratory, The Hospital for Sick Children
Classification: Pathogenic for Hereditary spastic paraplegia. Last evaluated: 2018-07-01. Review status: criteria provided, single submitter. Criteria: ACMG Guidelines, 2015. Collection method: clinical testing. Allele origin: germline. Affected: yes.

Genome-Nilou Lab
Classification: Pathogenic for Hereditary spastic paraplegia 11. Review status: criteria provided, single submitter. Criteria: ACMG Guidelines, 2015. Collection method: clinical testing. Allele origin: germline.

Dr. Peter K. Rogan Lab, Western University
No classification provided (evidence only). Condition: Thymoma. Review status: no classification provided. Collection method: in vitro. Allele origin: not applicable. Functional consequence: retained intron. Not counted in ClinVar's aggregate classification.

GeneReviews
No classification provided. Condition: Hereditary spastic paraplegia 11. Review status: no classification provided. Collection method: literature only. Allele origin: unknown. Not counted in ClinVar's aggregate classification.

Literature cited by the submitters: PubMed 18067136 (cited by Labcorp Genetics (formerly Invitae), Labcorp and GeneReviews); PubMed 30778698 (cited by Labcorp Genetics (formerly Invitae), Labcorp); PubMed 20301389 (cited by GeneReviews); NCBI Bookshelf NBK1210 (cited by GeneReviews).